The following is an entry in ClinVar:

NC_000014.8:g.(?_55332039)_(55369387_?)del

Gene: GCH1 (GTP cyclohydrolase 1; minus strand). Cytogenetic location: 14q22.2.
Variant type: Deletion.
Identifiers: ClinVar variation 1070263 (VCV001070263.5).

ClinVar aggregate classification (germline): Pathogenic (1 of 4 stars; one submission).

Conditions:
Dystonia 5 (DRD). Also called: Dystonia, DOPA-responsive, with or without hyperphenylalaninemia; DYT-GCH1; GTP Cyclohydrolase 1-Deficient Dopa-Responsive Dystonia; DYSTONIA, PROGRESSIVE, WITH DIURNAL VARIATION; DYSTONIA-PARKINSONISM WITH DIURNAL FLUCTUATION. Identifiers: Orphanet 98808, MedGen C1851920, MONDO:0007495, OMIM 128230.
GTP cyclohydrolase I deficiency. Identifiers: MedGen C0268467, MONDO:0100184.

Submission:

Labcorp Genetics (formerly Invitae), Labcorp
Classification: Pathogenic for GTP cyclohydrolase I deficiency; Dystonia 5. Last evaluated: 2016-08-03. Review status: criteria provided, single submitter. Criteria: Invitae Variant Classification Sherloc (09022015). Collection method: clinical testing. Allele origin: germline.
Comment: For these reasons, this variant has been classified as Pathogenic. While this particular deletion has not been reported in the literature, truncating variants in GCH1 are known to be pathogenic (PMID: 19491146). This variant is a gross deletion of the genomic region encompassing exons 1-2 of the GCH1 gene, which includes the initiator codon. The 5' end of this event is unknown as it extends beyond the assayed region for this gene and therefore may encompass additional genes. The 3' boundary is likely confined to intron 2 of the GCH1 gene. This is expected to result in an absent or disrupted protein product.

Literature cited by the submitters: PubMed 19491146.